The following is an entry in ClinVar:

NM_001080453.3(INTS1):c.2401C>A (p.Arg801=)

Gene: INTS1 (integrator complex subunit 1; minus strand). Cytogenetic location: 7p22.3.
Variant type: single nucleotide variant.
Coding change: c.2401C>A on transcript NM_001080453.3 (MANE Select); coding-DNA position 2401, C replaced by A.
Protein change: p.Arg801=; no amino-acid change (arginine 801 retained).
Molecular consequence: synonymous variant.
Genome position (GRCh38, 1-based): chr7:1,487,875, G>T on the plus strand (C>A on the coding strand, the complement: INTS1 is on the minus strand). VCF-style: chr7-1487875-G-T. GRCh37 (hg19) VCF-style: chr7-1527511-G-T.
Identifiers: ClinVar variation 2657204 (VCV002657204.24), dbSNP rs201096577, ClinGen allele CA4119823.
Genomic context (GRCh38, chr7:1,487,875, plus strand): 5'-TCTGCTTGGTGGACGCGGCCGCCAGGTGCCCCTCGAAGGCCAGGATCTCCTGCTTCTCCC[G>T]CTGGGCGGTCTGCAGCTCACGGTTCAGCATCTCCGTCCGGGTCTCCTCATCCGTCAGGGT-3'
Protein context (NP_001073922.2, residues 791-811): MLNRELQTAQ[Arg801=]EKQEILAFEG

ClinVar aggregate classification (germline): Likely benign (1 of 4 stars; one submission).

Allele frequency attached by ClinVar (database versions not stated): 1000 Genomes Project 0.00040; 1000 Genomes Project 30x 0.00047; ESP Exome Variant Server 0.00047.
gnomAD v4.1: 712 of 1,613,572 alleles (0.044%); highest among the groups gnomAD compares: Middle Eastern, 0.13%; no homozygotes.

Submission:

CeGaT Center for Human Genetics Tuebingen
Classification: Likely benign. Last evaluated: 2026-04-01. Review status: criteria provided, single submitter. Criteria: CeGaT Center For Human Genetics Tuebingen Variant Classification Criteria Version 2. Collection method: clinical testing. Allele origin: germline. Affected: yes. Observed: 3 variant alleles.
Comment: INTS1: BP4, BP7, BS2